The following is an entry in ClinVar:

NM_000057.4(BLM):c.2401A>G (p.Ser801Gly)

Gene: BLM (BLM RecQ like helicase; plus strand). Cytogenetic location: 15q26.1.
Variant type: single nucleotide variant.
Coding change: c.2401A>G on transcript NM_000057.4 (MANE Select); coding-DNA position 2401, A replaced by G.
Protein change: p.Ser801Gly; replaces serine 801 with glycine.
Molecular consequence: missense variant.
Genome position (GRCh38, 1-based): chr15:90,769,226, A>G. VCF-style: chr15-90769226-A-G. GRCh37 (hg19) VCF-style: chr15-91312456-A-G.
Other names: c.2401A>G, p.Ser801Gly (NM_001287246.2, NM_001287247.2); c.1276A>G, p.Ser426Gly (NM_001287248.2); short protein forms S801G, S426G.
Identifiers: ClinVar variation 1790740 (VCV001790740.3), dbSNP rs775698338, ClinGen allele CA7738745.

ClinVar aggregate classification (germline): Uncertain significance. Review status: criteria provided, multiple submitters, no conflicts (2 of 4 stars). 2 submissions from 2 submitters: Uncertain significance (2). Last evaluated 2025-08-22.

Conditions:
Hereditary cancer-predisposing syndrome. Also called: Hereditary Cancer Syndrome; Hereditary neoplastic syndrome; Tumor predisposition; Neoplastic Syndromes, Hereditary. Identifiers: Orphanet 140162, MedGen C0027672, MeSH D009386, MONDO:0015356.
Bloom syndrome (BLM). Also called: Bloom-Torre-Machacek syndrome. Identifiers: Orphanet 125, MedGen C0005859, MONDO:0008876, OMIM 210900.

Allele frequency attached by ClinVar (database versions not stated): gnomAD exomes below 0.00001; ExAC 0.00001.
gnomAD v4.1: 2 of 1,607,746 alleles (0.00012%); highest among the groups gnomAD compares: South Asian, 0.0022%; no homozygotes.

Submissions (2):

Labcorp Genetics (formerly Invitae), Labcorp
Classification: Uncertain significance for Bloom syndrome. Last evaluated: 2025-08-22. Review status: criteria provided, single submitter. Criteria: Invitae Variant Classification Sherloc (09022015). Collection method: clinical testing. Allele origin: germline.
Comment: This sequence change replaces serine, which is neutral and polar, with glycine, which is neutral and non-polar, at codon 801 of the BLM protein (p.Ser801Gly). This variant is present in population databases (rs775698338, gnomAD 0.003%). This variant has not been reported in the literature in individuals affected with BLM-related conditions. ClinVar contains an entry for this variant (Variation ID: 1790740). Invitae Evidence Modeling of protein sequence and biophysical properties (such as structural, functional, and spatial information, amino acid conservation, physicochemical variation, residue mobility, and thermodynamic stability) indicates that this missense variant is expected to disrupt BLM protein function with a positive predictive value of 80%. In summary, the available evidence is currently insufficient to determine the role of this variant in disease. Therefore, it has been classified as a Variant of Uncertain Significance.

Ambry Genetics
Classification: Uncertain significance for Hereditary cancer-predisposing syndrome. Last evaluated: 2022-01-07. Review status: criteria provided, single submitter. Criteria: Ambry Variant Classification Scheme 2023. Collection method: clinical testing. Allele origin: germline.
Comment: The p.S801G variant (also known as c.2401A>G), located in coding exon 10 of the BLM gene, results from an A to G substitution at nucleotide position 2401. The serine at codon 801 is replaced by glycine, an amino acid with similar properties. This amino acid position is conserved. In addition, this alteration is predicted to be deleterious by in silico analysis. Since supporting evidence is limited at this time, the clinical significance of this alteration remains unclear.